The following is an entry in ClinVar:

NM_015047.3(EMC1):c.2825T>C (p.Ile942Thr)

Genes: EMC1 (ER membrane protein complex subunit 1; minus strand), EMC1-AS1 (EMC1 antisense RNA 1; plus strand). Cytogenetic location: 1p36.13.
Variant type: single nucleotide variant.
Coding change: c.2825T>C on transcript NM_015047.3 (MANE Select); coding-DNA position 2825, T replaced by C.
Protein change: p.Ile942Thr; replaces isoleucine 942 with threonine.
Molecular consequence: missense variant.
Genome position (GRCh38, 1-based): chr1:19,219,460, A>G on the plus strand (T>C on the coding strand, the complement: EMC1 is on the minus strand). VCF-style: chr1-19219460-A-G. GRCh37 (hg19) VCF-style: chr1-19545954-A-G.
Other names: c.2825T>C (NM_015047.1); c.2822T>C, p.Ile941Thr (NM_001271427.2, NM_001271428.2); c.2759T>C, p.Ile920Thr (NM_001271429.2); c.2834T>C, p.Ile945Thr (NM_001375820.1); c.2831T>C, p.Ile944Thr (NM_001375821.1); short protein forms I944T, I942T, I945T, I920T, I941T.
Identifiers: ClinVar variation 1450411 (VCV001450411.7), dbSNP rs1023507564, ClinGen allele CA18808141.
Genomic context (GRCh38, chr1:19,219,460, plus strand): 5'-TAGTCATAGTCATCCTTCAGAACGTCAAACTGCTTGGATGGGTAGACTCGAGTTTGGTAA[A>G]TGTCCAAACCATAGGCCACAACCTGGAAGGCAGATGGAATAAGAATTAGGAAAGAAACAA-3'
Protein context (NP_055862.1, residues 932-952): TCLVVAYGLD[Ile942Thr]YQTRVYPSKQ

ClinVar aggregate classification (germline): Uncertain significance. Review status: criteria provided, multiple submitters, no conflicts (2 of 4 stars). 2 submissions from 2 submitters: Uncertain significance (2). Last evaluated 2025-07-04.

Conditions:
Inborn genetic diseases. Identifiers: MedGen C0950123, MeSH D030342.

Allele frequency attached by ClinVar (database versions not stated): gnomAD exomes below 0.00001; TOPMed 0.00001.
gnomAD v4.1: 1 of 1,614,010 alleles (0.000062%); highest among the groups gnomAD compares: Non-Finnish European, 0.000085%; no homozygotes.

Submissions (2):

Ambry Genetics
Classification: Uncertain significance for Inborn genetic diseases. Last evaluated: 2025-07-04. Review status: criteria provided, single submitter. Criteria: Ambry Variant Classification Scheme 2023. Collection method: clinical testing. Allele origin: germline.

Labcorp Genetics (formerly Invitae), Labcorp
Classification: Uncertain significance. Last evaluated: 2024-01-24. Review status: criteria provided, single submitter. Criteria: Invitae Variant Classification Sherloc (09022015). Collection method: clinical testing. Allele origin: germline.
Comment: This sequence change replaces isoleucine, which is neutral and non-polar, with threonine, which is neutral and polar, at codon 942 of the EMC1 protein (p.Ile942Thr). This variant is not present in population databases (gnomAD no frequency). This variant has not been reported in the literature in individuals affected with EMC1-related conditions. ClinVar contains an entry for this variant (Variation ID: 1450411). Advanced modeling of protein sequence and biophysical properties (such as structural, functional, and spatial information, amino acid conservation, physicochemical variation, residue mobility, and thermodynamic stability) performed at Invitae indicates that this missense variant is expected to disrupt EMC1 protein function with a positive predictive value of 80%. In summary, the available evidence is currently insufficient to determine the role of this variant in disease. Therefore, it has been classified as a Variant of Uncertain Significance.